The following is an entry in ClinVar:

ClinVar aggregate classification (germline): Uncertain significance (1 of 4 stars; one submission).

Allele frequency attached by ClinVar (database versions not stated): gnomAD exomes 0.00002; ExAC 0.00003; TOPMed 0.00005.
gnomAD v4.1: 31 of 1,613,574 alleles (0.0019%); highest among the groups gnomAD compares: Admixed American, 0.005%; no homozygotes.

Submission:

Labcorp Genetics (formerly Invitae), Labcorp
Classification: Uncertain significance. Last evaluated: 2022-01-15. Review status: criteria provided, single submitter. Criteria: Invitae Variant Classification Sherloc (09022015). Collection method: clinical testing. Allele origin: germline.
Comment: In summary, the available evidence is currently insufficient to determine the role of this variant in disease. Therefore, it has been classified as a Variant of Uncertain Significance. Algorithms developed to predict the effect of sequence changes on RNA splicing suggest that this variant may create or strengthen a splice site. Algorithms developed to predict the effect of missense changes on protein structure and function (SIFT, PolyPhen-2, Align-GVGD) all suggest that this variant is likely to be tolerated. This missense change has been observed in individual(s) with Parkinson disease (Invitae). This variant is present in population databases (rs751099128, gnomAD 0.01%). This sequence change replaces arginine, which is basic and polar, with glutamine, which is neutral and polar, at codon 2673 of the VPS13C protein (p.Arg2673Gln).

NM_020821.3(VPS13C):c.8018G>A (p.Arg2673Gln)

Gene: VPS13C (vacuolar protein sorting 13 homolog C; minus strand). Cytogenetic location: 15q22.2.
Variant type: single nucleotide variant.
Coding change: c.8018G>A on transcript NM_020821.3 (MANE Select); coding-DNA position 8018, G replaced by A.
Protein change: p.Arg2673Gln; replaces arginine 2673 with glutamine.
Molecular consequence: missense variant.
Genome position (GRCh38, 1-based): chr15:61,917,378, C>T on the plus strand (G>A on the coding strand, the complement: VPS13C is on the minus strand). VCF-style: chr15-61917378-C-T. GRCh37 (hg19) VCF-style: chr15-62209577-C-T.
Other names: c.8018G>A, p.Arg2673Gln (NM_001018088.3); c.7889G>A, p.Arg2630Gln (NM_017684.5, NM_018080.4); short protein forms R2630Q, R2673Q.
Identifiers: ClinVar variation 1492729 (VCV001492729.6), dbSNP rs751099128, ClinGen allele CA7595110.